The following is an entry in ClinVar:

ClinVar aggregate classification (germline): Uncertain significance. Review status: criteria provided, multiple submitters, no conflicts (2 of 4 stars). 2 submissions from 2 submitters: Uncertain significance (2). Last evaluated 2026-02-12.

gnomAD v4.1: 2 of 1,614,154 alleles (0.00012%); highest among the groups gnomAD compares: African/African-American, 0.0013%; no homozygotes.

Submissions (2):

GeneDx
Classification: Uncertain significance. Last evaluated: 2026-02-12. Review status: criteria provided, single submitter. Criteria: GeneDx Variant Classification Process June 2021. Collection method: clinical testing. Allele origin: germline.
Comment: Not observed at significant frequency in large population cohorts (gnomAD); In silico analysis suggests that this missense variant does not alter protein structure/function; Has not been previously published as pathogenic or benign to our knowledge

Labcorp Genetics (formerly Invitae), Labcorp
Classification: Uncertain significance. Last evaluated: 2022-05-25. Review status: criteria provided, single submitter. Criteria: Invitae Variant Classification Sherloc (09022015). Collection method: clinical testing. Allele origin: germline.
Comment: In summary, the available evidence is currently insufficient to determine the role of this variant in disease. Therefore, it has been classified as a Variant of Uncertain Significance. Algorithms developed to predict the effect of missense changes on protein structure and function output the following: SIFT: "Tolerated"; PolyPhen-2: "Benign"; Align-GVGD: "Class C0". The asparagine amino acid residue is found in multiple mammalian species, which suggests that this missense change does not adversely affect protein function. This variant has not been reported in the literature in individuals affected with MTPAP-related conditions. This variant is present in population databases (rs146816044, gnomAD 0.007%). This sequence change replaces lysine, which is basic and polar, with asparagine, which is neutral and polar, at codon 152 of the MTPAP protein (p.Lys152Asn).

NM_018109.4(MTPAP):c.456G>C (p.Lys152Asn)

Gene: MTPAP (mitochondrial poly(A) polymerase; minus strand). Cytogenetic location: 10p11.23.
Variant type: single nucleotide variant.
Coding change: c.456G>C on transcript NM_018109.4 (MANE Select); coding-DNA position 456, G replaced by C.
Protein change: p.Lys152Asn; replaces lysine 152 with asparagine.
Molecular consequence: missense variant.
Genome position (GRCh38, 1-based): chr10:30,340,325, C>G on the plus strand (G>C on the coding strand, the complement: MTPAP is on the minus strand). VCF-style: chr10-30340325-C-G. GRCh37 (hg19) VCF-style: chr10-30629254-C-G.
Other names: c.456G>C (NM_018109.3); short protein forms K152N.
Identifiers: ClinVar variation 1958124 (VCV001958124.5), dbSNP rs146816044, ClinGen allele CA5459189.